The following is an entry in ClinVar:

ClinVar aggregate classification (germline): Likely benign (0 of 4 stars; one submission).

Conditions:
KLHL21-related disorder. Also called: KLHL21-related condition.

Allele frequency attached by ClinVar (database versions not stated): ESP Exome Variant Server 0.00015; 1000 Genomes Project 30x 0.00016; 1000 Genomes Project 0.00020; gnomAD 0.00024; TOPMed 0.00029; ExAC 0.00040.

Submission:

PreventionGenetics, part of Exact Sciences
Classification: Likely benign for KLHL21-related condition. Last evaluated: 2019-07-11. Review status: no assertion criteria provided. Collection method: clinical testing. Allele origin: germline.
Comment: This variant is classified as likely benign based on ACMG/AMP sequence variant interpretation guidelines (Richards et al. 2015 PMID: 25741868, with internal and published modifications).

NM_014851.4(KLHL21):c.1242C>T (p.Asn414=)

Genes: KLHL21 (kelch like family member 21; minus strand), LOC126805599 (CDK7 strongly-dependent group 2 enhancer GRCh37_chr1:6658990-6660189; plus strand). Cytogenetic location: 1p36.31.
Variant type: single nucleotide variant.
Coding change: c.1242C>T on transcript NM_014851.4 (MANE Select); coding-DNA position 1242, C replaced by T.
Protein change: p.Asn414=; no amino-acid change (asparagine 414 retained).
Molecular consequence: synonymous variant.
Genome position (GRCh38, 1-based): chr1:6,599,232, G>A on the plus strand (C>T on the coding strand, the complement: KLHL21 is on the minus strand). VCF-style: chr1-6599232-G-A. GRCh37 (hg19) VCF-style: chr1-6659292-G-A.
Other names: c.1242C>T, p.Asn414= (NM_001324309.2).
Identifiers: ClinVar variation 3043278 (VCV003043278.2), dbSNP rs143141370, ClinGen allele CA564332.